The following is an entry in ClinVar:

ClinVar aggregate classification (germline): Likely pathogenic (1 of 4 stars; one submission).

Conditions:
TP63-Related Spectrum Disorders.

Submission:

Labcorp Genetics (formerly Invitae), Labcorp
Classification: Likely pathogenic. Last evaluated: 2021-12-20. Review status: criteria provided, single submitter. Criteria: Invitae Variant Classification Sherloc (09022015). Collection method: clinical testing. Allele origin: germline.
Comment: This variant is not present in population databases (gnomAD no frequency). This missense change has been observed in individual(s) with TP63-related conditions (Invitae). In at least one individual the variant was observed to be de novo. ClinVar contains an entry for this variant (Variation ID: 572273). Algorithms developed to predict the effect of missense changes on protein structure and function are either unavailable or do not agree on the potential impact of this missense change (SIFT: "Deleterious"; PolyPhen-2: "Probably Damaging"; Align-GVGD: "Class C0"). In summary, the currently available evidence indicates that the variant is pathogenic, but additional data are needed to prove that conclusively. Therefore, this variant has been classified as Likely Pathogenic. This sequence change replaces proline, which is neutral and non-polar, with histidine, which is basic and polar, at codon 166 of the TP63 protein (p.Pro166His).

NM_003722.5(TP63):c.497C>A (p.Pro166His)

Gene: TP63 (tumor protein p63; plus strand). Cytogenetic location: 3q28.
Variant type: single nucleotide variant.
Coding change: c.497C>A on transcript NM_003722.5 (MANE Select); coding-DNA position 497, C replaced by A.
Protein change: p.Pro166His; replaces proline 166 with histidine.
Molecular consequence: missense variant. On other transcripts: intron variant (2).
Genome position (GRCh38, 1-based): chr3:189,808,444, C>A. VCF-style: chr3-189808444-C-A. GRCh37 (hg19) VCF-style: chr3-189526233-C-A.
Other names: c.215C>A, p.Pro72His (NM_001114980.2, NM_001114981.2, NM_001114982.2 and 2 more transcripts); c.497C>A, p.Pro166His (NM_001329144.2, NM_001329148.2, NM_001114978.2 and 1 more transcripts); c.491C>A, p.Pro164His (NM_001329964.2); c.42+18602C>A (NM_001329146.2, NM_001329150.2); short protein forms P166H, P164H, P72H.
Identifiers: ClinVar variation 572273 (VCV000572273.4), dbSNP rs1560204773, ClinGen allele CA355750681.
Genomic context (GRCh38, chr3:189,808,444, plus strand): 5'-CCTCGCCCTACGCACAGCCCAGCTCCACCTTCGATGCTCTCTCTCCATCACCCGCCATCC[C>A]CTCCAACACCGACTACCCAGGCCCGCACAGTTTCGACGTGTCCTTCCAGCAGTCGAGCAC-3'
Protein context (NP_003713.3, residues 156-176): FDALSPSPAI[Pro166His]SNTDYPGPHS